The following is an entry in ClinVar:

ClinVar aggregate classification (germline): Benign/Likely benign. Review status: criteria provided, multiple submitters, no conflicts (2 of 4 stars). 3 submissions from 3 submitters: Benign (1); Likely benign (2). Last evaluated 2025-10-26.

Conditions:
INPP5E-related disorder. Also called: INPP5E-related condition.
Joubert syndrome. Also called: JOUBERT-BOLTSHAUSER SYNDROME; Familial aplasia of the vermis. Identifiers: Orphanet 475, MedGen C5979921, MONDO:0018772.

Allele frequency attached by ClinVar (database versions not stated): gnomAD exomes 0.00006; ESP Exome Variant Server 0.00008; TOPMed 0.00008; gnomAD 0.00015 and 0.00016; 1000 Genomes Project 30x 0.00016; ExAC 0.00016; 1000 Genomes Project 0.00020.
gnomAD v4.1: 117 of 1,610,670 alleles (0.0073%); highest among the groups gnomAD compares: South Asian, 0.051%; 1 homozygote.

Submissions (3):

Labcorp Genetics (formerly Invitae), Labcorp
Classification: Benign for Joubert syndrome. Last evaluated: 2025-10-26. Review status: criteria provided, single submitter. Criteria: Invitae Variant Classification Sherloc (09022015). Collection method: clinical testing. Allele origin: germline.

PreventionGenetics, part of Exact Sciences
Classification: Likely benign for INPP5E-related condition. Last evaluated: 2024-11-25. Review status: criteria provided, single submitter. Criteria: ACMG Guidelines, 2015. Collection method: clinical testing. Allele origin: germline.
Comment: This variant is classified as likely benign based on ACMG/AMP sequence variant interpretation guidelines (Richards et al. 2015 PMID: 25741868, with internal and published modifications).

Blueprint Genetics
Classification: Likely benign. Last evaluated: 2024-09-07. Review status: criteria provided, single submitter. Criteria: ACMG Guidelines, 2015. Collection method: clinical testing. Allele origin: germline.

NM_019892.6(INPP5E):c.1470C>T (p.Asp490=)

Gene: INPP5E (inositol polyphosphate-5-phosphatase E; minus strand). Cytogenetic location: 9q34.3.
Variant type: single nucleotide variant.
Coding change: c.1470C>T on transcript NM_019892.6 (MANE Select); coding-DNA position 1470, C replaced by T.
Protein change: p.Asp490=; no amino-acid change (aspartic acid 490 retained).
Molecular consequence: synonymous variant.
Genome position (GRCh38, 1-based): chr9:136,431,903, G>A on the plus strand (C>T on the coding strand, the complement: INPP5E is on the minus strand). VCF-style: chr9-136431903-G-A. GRCh37 (hg19) VCF-style: chr9-139326355-G-A.
Other names: c.1470C>T (NM_019892.5); c.1467C>T, p.Asp489= (NM_001318502.2).
Identifiers: ClinVar variation 461746 (VCV000461746.14), dbSNP rs375301475, ClinGen allele CA5336783.